The following is an entry in ClinVar:

NM_020975.6(RET):c.590G>A (p.Cys197Tyr)

Gene: RET (ret proto-oncogene; plus strand). Cytogenetic location: 10q11.21.
Variant type: single nucleotide variant.
Coding change: c.590G>A on transcript NM_020975.6 (MANE Select); coding-DNA position 590, G replaced by A.
Protein change: p.Cys197Tyr; replaces cysteine 197 with tyrosine.
Molecular consequence: missense variant. On other transcripts: intron variant (15).
Genome position (GRCh38, 1-based): chr10:43,102,594, G>A. VCF-style: chr10-43102594-G-A. GRCh37 (hg19) VCF-style: chr10-43598042-G-A.
Other names: c.590G>A, p.Cys197Tyr (NM_001406743.1, NM_001406744.1, NM_001406759.1 and 14 more transcripts); c.461G>A, p.Cys154Tyr (NM_001406761.1, NM_001406762.1, NM_001406764.1 and 4 more transcripts); c.337+1872G>A (NM_001406770.1, NM_001406766.1, NM_001406767.1 and 8 more transcripts); c.74-6437G>A (NM_001406784.1); c.74-9505G>A (NM_001406794.1, NM_001406792.1, NM_001406793.1); short protein forms C154Y, C197Y.
Identifiers: ClinVar variation 4709725 (VCV004709725.1).

ClinVar aggregate classification (germline): Uncertain significance (1 of 4 stars; one submission).

Conditions:
Multiple endocrine neoplasia, type 2 (MEN2). Identifiers: Orphanet 653, MedGen C4048306, MONDO:0019003. Disease mechanism: gain of function.

Submission:

Labcorp Genetics (formerly Invitae), Labcorp
Classification: Uncertain significance for Multiple endocrine neoplasia, type 2. Last evaluated: 2025-07-08. Review status: criteria provided, single submitter. Criteria: Invitae Variant Classification Sherloc (09022015). Collection method: clinical testing. Allele origin: germline.
Comment: This sequence change replaces cysteine, which is neutral and slightly polar, with tyrosine, which is neutral and polar, at codon 197 of the RET protein (p.Cys197Tyr). This variant is not present in population databases (gnomAD no frequency). This missense change has been observed in individual(s) with Hirschsprung disease (PMID: 9094028). An algorithm developed to predict the effect of missense changes on protein structure and function (PolyPhen-2) suggests that this variant is likely to be disruptive. In summary, the available evidence is currently insufficient to determine the role of this variant in disease. Therefore, it has been classified as a Variant of Uncertain Significance.

Literature cited by the submitters: PubMed 9094028.